The following is an entry in ClinVar:

NM_000135.4(FANCA):c.1438C>T (p.Leu480Phe)

Gene: FANCA (FA complementation group A; minus strand). Cytogenetic location: 16q24.3.
Variant type: single nucleotide variant.
Coding change: c.1438C>T on transcript NM_000135.4 (MANE Select); coding-DNA position 1438, C replaced by T.
Protein change: p.Leu480Phe; replaces leucine 480 with phenylalanine.
Molecular consequence: missense variant.
Genome position (GRCh38, 1-based): chr16:89,784,886, G>A on the plus strand (C>T on the coding strand, the complement: FANCA is on the minus strand). VCF-style: chr16-89784886-G-A. GRCh37 (hg19) VCF-style: chr16-89851294-G-A.
Other names: c.1438C>T, p.Leu480Phe (NM_001286167.3); c.1438C>T (NM_000135.3); short protein forms L480F.
Identifiers: ClinVar variation 949462 (VCV000949462.9), dbSNP rs1444498671, ClinGen allele CA397459752.

ClinVar aggregate classification (germline): Uncertain significance. Review status: criteria provided, multiple submitters, no conflicts (2 of 4 stars). 2 submissions from 2 submitters: Uncertain significance (2). Last evaluated 2025-05-05.

Conditions:
Fanconi anemia (FA). Also called: Fanconi's anemia. Identifiers: Orphanet 84, MedGen C0015625, MeSH D005199, MONDO:0019391.

Submissions (2):

Labcorp Genetics (formerly Invitae), Labcorp
Classification: Uncertain significance for Fanconi anemia. Last evaluated: 2025-05-05. Review status: criteria provided, single submitter. Criteria: Invitae Variant Classification Sherloc (09022015). Collection method: clinical testing. Allele origin: germline.
Comment: This sequence change replaces leucine, which is neutral and non-polar, with phenylalanine, which is neutral and non-polar, at codon 480 of the FANCA protein (p.Leu480Phe). This variant is not present in population databases (gnomAD no frequency). This variant has not been reported in the literature in individuals affected with FANCA-related conditions. ClinVar contains an entry for this variant (Variation ID: 949462). Invitae Evidence Modeling of protein sequence and biophysical properties (such as structural, functional, and spatial information, amino acid conservation, physicochemical variation, residue mobility, and thermodynamic stability) has been performed for this missense variant. However, the output from this modeling did not meet the statistical confidence thresholds required to predict the impact of this variant on FANCA protein function. In summary, the available evidence is currently insufficient to determine the role of this variant in disease. Therefore, it has been classified as a Variant of Uncertain Significance.

Quest Diagnostics Nichols Institute San Juan Capistrano
Classification: Uncertain significance. Last evaluated: 2024-05-17. Review status: criteria provided, single submitter. Criteria: Quest Diagnostics criteria. Collection method: clinical testing. Allele origin: unknown.
Comment: The FANCA c.1438C>T (p.Leu480Phe) variant has not been reported in individuals with FANCA-related conditions in the published literature. It also has not been reported in large, multi-ethnic general populations (Genome Aggregation Database). Analysis of this variant using bioinformatics tools for the prediction of the effect of amino acid changes on protein structure and function yielded predictions that this variant is damaging. Based on the available information, we are unable to determine the clinical significance of this variant.